The following is an entry in ClinVar:

NM_181523.3(PIK3R1):c.764G>A (p.Ser255Asn)

Gene: PIK3R1 (phosphoinositide-3-kinase regulatory subunit 1; plus strand). Cytogenetic location: 5q13.1.
Variant type: single nucleotide variant.
Coding change: c.764G>A on transcript NM_181523.3 (MANE Select); coding-DNA position 764, G replaced by A.
Protein change: p.Ser255Asn; replaces serine 255 with asparagine.
Molecular consequence: missense variant.
Genome position (GRCh38, 1-based): chr5:68,280,657, G>A. VCF-style: chr5-68280657-G-A. GRCh37 (hg19) VCF-style: chr5-67576485-G-A.
Other names: NM_181523.3(PIK3R1):c.764G>A; p.Ser255Asn; short protein forms S255N.
Identifiers: ClinVar variation 3901120 (VCV003901120.5).

ClinVar aggregate classification (germline): Uncertain significance. Review status: reviewed by expert panel (3 of 4 stars). 4 submissions from 4 submitters: Uncertain significance (1). 3 of the submissions do not count toward it. Last evaluated 2026-05-19.

Conditions:
Agammaglobulinemia 7, autosomal recessive (AGM7). Also called: AGAMMAGLOBULINEMIA, AUTOSOMAL RECESSIVE, DUE TO PIK3R1 DEFECT. Identifiers: MedGen C3554689, MONDO:0014083, OMIM 615214.
Immunodeficiency 36 with lymphoproliferation. Also called: ACTIVATED PI3K-DELTA SYNDROME 2; Activated PI3K Delta Syndrome Type 2 (APDS2); Immunodeficiency 36. Identifiers: Orphanet 397596, Orphanet 693681, MedGen C4014934, MONDO:0014453, OMIM 616005.
SHORT syndrome. Also called: SHORT STATURE, HYPEREXTENSIBILITY, HERNIA, OCULAR DEPRESSION, RIEGER ANOMALY, AND TEETHING DELAY; PIK3R1-Related SHORT Syndrome; LIPODYSTROPHY, PARTIAL, WITH RIEGER ANOMALY AND SHORT STATURE. Identifiers: Orphanet 3163, MedGen C0878684, MONDO:0010026, OMIM 269880.
PIK3R1-related immunodeficiency and SHORT syndrome. Identifiers: MedGen CN379774, MONDO:1060136.
Immunodeficiency 14 (IMD14A). Also called: ACTIVATED PI3K-DELTA SYNDROME 1; Activated PI3K Delta Syndrome Type 1 (APDS1); p110-DELTA-ACTIVATING MUTATION CAUSING SENESCENT T CELLS, LYMPHADENOPATHY, AND IMMUNODEFICIENCY; IMMUNODEFICIENCY 14A WITH LYMPHOPROLIFERATION, AUTOSOMAL DOMINANT. Identifiers: Orphanet 397596, Orphanet 693661, MedGen C5907821, MONDO:0014222, OMIM 615513.

gnomAD v4.1: 1 of 1,613,928 alleles (0.000062%); highest among the groups gnomAD compares: Admixed American, 0.0017%; no homozygotes.

Submissions (4):

ClinGen Primary Immune Regulatory Disorders Variant Curation Expert Panel, ClinGen
Classification: Uncertain significance for PIK3R1-related immunodeficiency and SHORT syndrome. Last evaluated: 2026-05-19. Review status: reviewed by expert panel. Criteria: ClinGen AbDef ACMG Specifications PIK3R1 V1.0.0. Collection method: curation. Allele origin: germline. Inheritance: Autosomal dominant inheritance.
Comment: NM_181523.3(PIK3R1):c.764G>A (p.Ser255Asn) is a missense variant replacing serine with asparagine at amino acid 255. This variant is present in gnomAD v4.1.0 at a total allele frequency of 0.0000006196, with 1 allele / 1,613,928 total alleles across all populations of gnomAD, which is lower than the ClinGen Antibody Deficiencies VCEP PM2_Supporting threshold of <0.00000132 (PM2_Supporting). This variant has been reported in 1 proband submitted to ClinVar with a diagnosis of immunodeficiency 14 with congenital onset and phenotypes including elevated T follicular helper cells (2 pts), significantly elevated transitional B cells (2 pts), increased total neutrophil count, disseminated viral infection (3 pts), and functional studies demonstrating Increases in phospho-AKT and baseline phospho-pS6 consistent with PI3K pathway hyperactivation, with genotyping by next-generation sequencing panel that did not identify an alternative basis for disease in the PIK3CD gene (7 total points, ClinVar accession #: VCV003901120.2, PS4_Supporting). The computational predictor REVEL gives a score of 0.112, which is below the ClinGen Antibody Deficiencies VCEP threshold of <0.290 and predicts a non-damaging effect on PIK3R1 function. The computational predictor CADD gives a PHRED score of 22.0, which is above the ClinGen Antibody Deficiencies VCEP threshold of <21.5 and does not predict a non-deleterious effect on PIK3R1 function. The two predictors do not agree on a non-damaging effect, so BP4 is not met. The splicing impact predictor SpliceAI gives a score of 0.01 for acceptor loss, which is below the ClinGen Antibody Deficiencies VCEP recommended threshold of <0.1 and does not predict an impact on splicing. In summary, this variant meets the criteria to be classified as a variant of uncertain significance for autosomal dominant PIK3R1-related immunodeficiency and SHORT syndrome based on the ACMG/AMP criteria applied, as specified by the ClinGen Antibody Deficiencies VCEP: PM2_Supporting and PS4_Supporting. (VCEP specifications version 1.0.0; date of approval 04/29/2026).

Labcorp Genetics (formerly Invitae), Labcorp
Classification: Uncertain significance for SHORT syndrome; Immunodeficiency 36 with lymphoproliferation; Agammaglobulinemia 7, autosomal recessive. Last evaluated: 2025-08-30. Review status: criteria provided, single submitter. Criteria: Invitae Variant Classification Sherloc (09022015). Collection method: clinical testing. Allele origin: germline. Not counted in ClinVar's aggregate classification.
Comment: This sequence change replaces serine, which is neutral and polar, with asparagine, which is neutral and polar, at codon 255 of the PIK3R1 protein (p.Ser255Asn). This variant is not present in population databases (gnomAD no frequency). This variant has not been reported in the literature in individuals affected with PIK3R1-related conditions. ClinVar contains an entry for this variant (Variation ID: 3901120). An algorithm developed to predict the effect of missense changes on protein structure and function (PolyPhen-2) suggests that this variant is likely to be tolerated. In summary, the available evidence is currently insufficient to determine the role of this variant in disease. Therefore, it has been classified as a Variant of Uncertain Significance.

Blueprint Genetics
Classification: Uncertain significance. Last evaluated: 2020-04-23. Review status: criteria provided, single submitter. Criteria: ACMG Guidelines, 2015. Collection method: clinical testing. Allele origin: germline. Not counted in ClinVar's aggregate classification.

Rarefied Biosciences Lab
Classification: Likely pathogenic for Immunodeficiency 14. Review status: no assertion criteria provided. Collection method: research. Allele origin: germline, not applicable. Affected: yes. Functional consequence: gain_of_function_variant. Not counted in ClinVar's aggregate classification.
Comment: The PIK3R1 c.764G>A (p.Ser255Asn) variant results in a missense substitution of serine to asparagine at codon 255. This residue is moderately conserved (phyloP100 score: 3.84) and located in a region of the protein relevant to PI3K regulatory function. The variant is very rare in the population, with a gnomAD genome allele frequency of 0.00000657. Immune profiling revealed elevated T follicular helper (TFH) cells at 21.8% and significantly elevated transitional B cells at 27.4%, both of which suggest immune dysregulation. Notably, functional studies demonstrated elevated mTOR pathway activation, which is consistent with PI3K pathway hyperactivation. Computational predictions suggest a benign effect (AlphaMissense 0.09179, Benign Moderate), but these are outweighed by the strong functional evidence of pathway dysregulation. Given the abnormal immune phenotype, elevated mTOR activity, PIK3R1 c.764G>A (p.Ser255Asn) is classified as Likely Pathogenic

Literature cited by the submitters: PubMed 31031754 (cited by Rarefied Biosciences Lab).